The following is an entry in ClinVar:

ClinVar aggregate classification (germline): Uncertain significance (1 of 4 stars; one submission).

Conditions:
Charcot-Marie-Tooth disease type 4. Also called: Charcot-Marie-Tooth disease, type IV; Charcot-Marie-Tooth, Type 4. Identifiers: Orphanet 64749, MedGen C4082197, MONDO:0018995.

Allele frequency attached by ClinVar (database versions not stated): gnomAD 0.00001; ExAC 0.00002; gnomAD exomes 0.00002.
gnomAD v4.1: 10 of 1,613,148 alleles (0.00062%); highest among the groups gnomAD compares: Middle Eastern, 0.033%; 1 homozygote.

Submission:

Labcorp Genetics (formerly Invitae), Labcorp
Classification: Uncertain significance for Charcot-Marie-Tooth disease type 4. Last evaluated: 2022-04-25. Review status: criteria provided, single submitter. Criteria: Invitae Variant Classification Sherloc (09022015). Collection method: clinical testing. Allele origin: germline.
Comment: This sequence change replaces lysine, which is basic and polar, with arginine, which is basic and polar, at codon 609 of the MTMR2 protein (p.Lys609Arg). This variant is present in population databases (rs762262045, gnomAD 0.003%). This variant has not been reported in the literature in individuals affected with MTMR2-related conditions. Advanced modeling of protein sequence and biophysical properties (such as structural, functional, and spatial information, amino acid conservation, physicochemical variation, residue mobility, and thermodynamic stability) performed at Invitae indicates that this missense variant is expected to disrupt MTMR2 protein function. In summary, the available evidence is currently insufficient to determine the role of this variant in disease. Therefore, it has been classified as a Variant of Uncertain Significance.

NM_016156.6(MTMR2):c.1826A>G (p.Lys609Arg)

Gene: MTMR2 (myotubularin related protein 2; minus strand). Cytogenetic location: 11q21.
Variant type: single nucleotide variant.
Coding change: c.1826A>G on transcript NM_016156.6 (MANE Select); coding-DNA position 1826, A replaced by G.
Protein change: p.Lys609Arg; replaces lysine 609 with arginine.
Molecular consequence: missense variant.
Genome position (GRCh38, 1-based): chr11:95,835,396, T>C on the plus strand (A>G on the coding strand, the complement: MTMR2 is on the minus strand). VCF-style: chr11-95835396-T-C. GRCh37 (hg19) VCF-style: chr11-95568560-T-C.
Other names: c.1610A>G, p.Lys537Arg (NM_001243571.2, NM_201278.3, NM_201281.3); short protein forms K537R, K609R.
Identifiers: ClinVar variation 2418465 (VCV002418465.3), dbSNP rs762262045, ClinGen allele CA6239844.